The following is an entry in ClinVar:

NM_005336.6(HDLBP):c.1107C>T (p.Val369=)

Gene: HDLBP (high density lipoprotein binding protein; minus strand). Cytogenetic location: 2q37.3.
Variant type: single nucleotide variant.
Coding change: c.1107C>T on transcript NM_005336.6 (MANE Select); coding-DNA position 1107, C replaced by T.
Protein change: p.Val369=; no amino-acid change (valine 369 retained).
Molecular consequence: synonymous variant.
Genome position (GRCh38, 1-based): chr2:241,255,132, G>A on the plus strand (C>T on the coding strand, the complement: HDLBP is on the minus strand). VCF-style: chr2-241255132-G-A. GRCh37 (hg19) VCF-style: chr2-242194547-G-A.
Other names: c.1008C>T, p.Val336= (NM_001243900.3); c.1107C>T, p.Val369= (NM_001320965.3, NM_001320966.3, NM_001320967.3 and 1 more transcripts); c.1107C>T (NM_001320966.1).
Identifiers: ClinVar variation 728940 (VCV000728940.6), dbSNP rs75096185, ClinGen allele CA2216772.

ClinVar aggregate classification (germline): Benign. Review status: criteria provided, single submitter (1 of 4 stars). 2 submissions from 2 submitters: Benign (1). 1 of the submissions does not count toward it. Last evaluated 2019-12-31.

Conditions:
HDLBP-related disorder. Also called: HDLBP-related condition.

Allele frequency attached by ClinVar (database versions not stated): gnomAD exomes 0.00066; ExAC 0.00082; gnomAD 0.00264 and 0.00282; 1000 Genomes Project 0.00280; TOPMed 0.00280; ESP Exome Variant Server 0.00292; 1000 Genomes Project 30x 0.00297.
gnomAD v4.1: 757 of 1,614,118 alleles (0.047%); highest among the groups gnomAD compares: African/African-American, 0.91%; 3 homozygotes.

Submissions (2):

Labcorp Genetics (formerly Invitae), Labcorp
Classification: Benign. Last evaluated: 2019-12-31. Review status: criteria provided, single submitter. Criteria: Invitae Variant Classification Sherloc (09022015). Collection method: clinical testing. Allele origin: germline.

PreventionGenetics, part of Exact Sciences
Classification: Benign for HDLBP-related condition. Last evaluated: 2019-02-18. Review status: no assertion criteria provided. Collection method: clinical testing. Allele origin: germline. Not counted in ClinVar's aggregate classification.
Comment: This variant is classified as benign based on ACMG/AMP sequence variant interpretation guidelines (Richards et al. 2015 PMID: 25741868, with internal and published modifications).